The following is an entry in ClinVar:

ClinVar aggregate classification (germline): Likely benign (1 of 4 stars; one submission).

Allele frequency attached by ClinVar (database versions not stated): gnomAD exomes 0.00035; 1000 Genomes Project 0.00180; 1000 Genomes Project 30x 0.00250; gnomAD 0.00347 and 0.00385; TOPMed 0.00385.
gnomAD v4.1: 814 of 921,740 alleles (0.088%); highest among the groups gnomAD compares: African/African-American, 1.2%; 6 homozygotes.

Submission:

GeneDx
Classification: Likely benign. Last evaluated: 2018-06-14. Review status: criteria provided, single submitter. Criteria: GeneDx Variant Classification (06012015). Collection method: clinical testing. Allele origin: germline. Affected: yes.
Comment: This variant is considered likely benign or benign based on one or more of the following criteria: it is a conservative change, it occurs at a poorly conserved position in the protein, it is predicted to be benign by multiple in silico algorithms, and/or has population frequency not consistent with disease.

NM_003239.5(TGFB3):c.1081-146G>A

Gene: TGFB3 (transforming growth factor beta 3; minus strand). Cytogenetic location: 14q24.3.
Variant type: single nucleotide variant.
Coding change: c.1081-146G>A on transcript NM_003239.5 (MANE Select); 146 bases into the intron before coding-DNA position 1081, G replaced by A.
Molecular consequence: intron variant.
Genome position (GRCh38, 1-based): chr14:75,959,491, C>T on the plus strand (G>A on the coding strand, the complement: TGFB3 is on the minus strand). VCF-style: chr14-75959491-C-T. GRCh37 (hg19) VCF-style: chr14-76425834-C-T.
Other names: c.1081-146G>A (NM_001329939.2).
Identifiers: ClinVar variation 679636 (VCV000679636.1), dbSNP rs4252344, ClinGen allele CA263700816.